The following is an entry in ClinVar:

ClinVar aggregate classification (germline): Uncertain significance (1 of 4 stars; one submission).

Conditions:
Hereditary cancer-predisposing syndrome. Also called: Tumor predisposition; Neoplastic Syndromes, Hereditary; Hereditary neoplastic syndrome; Hereditary Cancer Syndrome. Identifiers: Orphanet 140162, MedGen C0027672, MeSH D009386, MONDO:0015356.

Submission:

Ambry Genetics
Classification: Uncertain significance for Hereditary cancer-predisposing syndrome. Last evaluated: 2024-10-19. Review status: criteria provided, single submitter. Criteria: Ambry Variant Classification Scheme 2023. Collection method: clinical testing. Allele origin: germline.
Comment: The p.L434V variant (also known as c.1300C>G), located in coding exon 11 of the SUFU gene, results from a C to G substitution at nucleotide position 1300. The leucine at codon 434 is replaced by valine, an amino acid with highly similar properties. This amino acid position is conserved. In addition, the in silico prediction for this alteration is inconclusive. Based on the available evidence, the clinical significance of this variant remains unclear.

NM_016169.4(SUFU):c.1300C>G (p.Leu434Val)

Gene: SUFU (SUFU negative regulator of hedgehog signaling; plus strand). Cytogenetic location: 10q24.32.
Variant type: single nucleotide variant.
Coding change: c.1300C>G on transcript NM_016169.4 (MANE Select); coding-DNA position 1300, C replaced by G.
Protein change: p.Leu434Val; replaces leucine 434 with valine.
Molecular consequence: missense variant.
Genome position (GRCh38, 1-based): chr10:102,627,178, C>G. VCF-style: chr10-102627178-C-G. GRCh37 (hg19) VCF-style: chr10-104386935-C-G.
Other names: short protein forms L434V.
Identifiers: ClinVar variation 3451141 (VCV003451141.1).